The following is an entry in ClinVar:

ClinVar aggregate classification (germline): Benign/Likely benign. Review status: criteria provided, multiple submitters, no conflicts (2 of 4 stars). 6 submissions from 6 submitters: Benign (3); Likely benign (2). 1 of the submissions does not count toward it. Last evaluated 2026-01-20.

Conditions:
ANKRD26-related disorder. Also called: ANKRD26-related condition.
Inborn genetic diseases. Identifiers: MedGen C0950123, MeSH D030342.
Thrombocytopenia 2 (THC2). Also called: ANKRD26-Related Thrombocytopenia. Identifiers: Orphanet 268322, MedGen C1861185, MONDO:0008555, OMIM 188000.

Allele frequency attached by ClinVar (database versions not stated): gnomAD below 0.00001 and 0.00012; TOPMed 0.00003; gnomAD exomes 0.00026 and 0.00059; 1000 Genomes Project 0.00060; ExAC 0.00069; 1000 Genomes Project 30x 0.00078.
gnomAD v4.1: 397 of 1,614,088 alleles (0.025%); highest among the groups gnomAD compares: South Asian, 0.42%; 4 homozygotes.

Submissions (6):

Labcorp Genetics (formerly Invitae), Labcorp
Classification: Benign. Last evaluated: 2026-01-20. Review status: criteria provided, single submitter. Criteria: Invitae Variant Classification Sherloc (09022015). Collection method: clinical testing. Allele origin: germline.

Ambry Genetics
Classification: Likely benign for Inborn genetic diseases. Last evaluated: 2024-11-28. Review status: criteria provided, single submitter. Criteria: Ambry Variant Classification Scheme 2023. Collection method: clinical testing. Allele origin: germline.

Blueprint Genetics
Classification: Likely benign. Last evaluated: 2024-11-26. Review status: criteria provided, single submitter. Criteria: ACMG Guidelines, 2015. Collection method: clinical testing. Allele origin: germline.

Genome-Nilou Lab
Classification: Benign for Thrombocytopenia 2. Last evaluated: 2021-12-05. Review status: criteria provided, single submitter. Criteria: ACMG Guidelines, 2015. Collection method: clinical testing. Allele origin: germline. Affected: no.

Illumina Laboratory Services, Illumina
Classification: Benign for Thrombocytopenia 2. Last evaluated: 2018-01-13. Review status: criteria provided, single submitter. Criteria: ICSL Variant Classification Criteria 13 December 2019. Collection method: clinical testing. Allele origin: germline.
Comment: This variant was observed in the ICSL laboratory as part of a predisposition screen in an ostensibly healthy population. It had not been previously curated by ICSL or reported in the Human Gene Mutation Database (HGMD: prior to June 1st, 2018), and was therefore a candidate for classification through an automated scoring system. Utilizing variant allele frequency, disease prevalence and penetrance estimates, and inheritance mode, an automated score was calculated to assess if this variant is too frequent to cause the disease. Based on the score and internal cut-off values, a variant classified as benign is not then subjected to further curation. The score for this variant resulted in a classification of benign for this disease.

PreventionGenetics, part of Exact Sciences
Classification: Likely benign for ANKRD26-related condition. Last evaluated: 2019-04-25. Review status: no assertion criteria provided. Collection method: clinical testing. Allele origin: germline. Not counted in ClinVar's aggregate classification.
Comment: This variant is classified as likely benign based on ACMG/AMP sequence variant interpretation guidelines (Richards et al. 2015 PMID: 25741868, with internal and published modifications).

NM_014915.3(ANKRD26):c.948T>C (p.Asp316=)

Gene: ANKRD26 (ankyrin repeat domain 26; minus strand). Cytogenetic location: 10p12.1.
Variant type: single nucleotide variant.
Coding change: c.948T>C on transcript NM_014915.3 (MANE Select); coding-DNA position 948, T replaced by C.
Protein change: p.Asp316=; no amino-acid change (aspartic acid 316 retained).
Molecular consequence: synonymous variant.
Genome position (GRCh38, 1-based): chr10:27,077,467, A>G on the plus strand (T>C on the coding strand, the complement: ANKRD26 is on the minus strand). VCF-style: chr10-27077467-A-G. GRCh37 (hg19) VCF-style: chr10-27366396-A-G.
Other names: c.948T>C, p.Asp316= (NM_001256053.2).
Identifiers: ClinVar variation 299754 (VCV000299754.17), dbSNP rs569751156, ClinGen allele CA5448727.